The following is an entry in ClinVar:

NM_002693.3(POLG):c.1930G>A (p.Gly644Arg)

Gene: POLG (DNA polymerase gamma, catalytic subunit; minus strand). Cytogenetic location: 15q26.1.
Variant type: single nucleotide variant.
Coding change: c.1930G>A on transcript NM_002693.3 (MANE Select); coding-DNA position 1930, G replaced by A.
Protein change: p.Gly644Arg; replaces glycine 644 with arginine.
Molecular consequence: missense variant.
Genome position (GRCh38, 1-based): chr15:89,325,469, C>T on the plus strand (G>A on the coding strand, the complement: POLG is on the minus strand). VCF-style: chr15-89325469-C-T. GRCh37 (hg19) VCF-style: chr15-89868700-C-T.
Other names: c.1930G>A, p.Gly644Arg (NM_001126131.2); short protein forms G644R.
Identifiers: ClinVar variation 1508201 (VCV001508201.6), dbSNP rs1156534099, ClinGen allele CA393758987.
Genomic context (GRCh38, chr15:89,325,469, plus strand): 5'-CCTAGGCTCCAGCCCCTTCCTCCCCTGGGCCTAAGCCTTACCTGTAGGGGCAGACCACCC[C>T]AGCTGACTCCAGGGTGGTACCTGTCGGCAGCTTGGCCAGGTTGTCCCGCCGCCCAGGCAC-3'
Protein context (NP_002684.1, residues 634-654): LPTGTTLESA[Gly644Arg]VVCPYRAIES

ClinVar aggregate classification (germline): Uncertain significance (1 of 4 stars; one submission).

Conditions:
Progressive sclerosing poliodystrophy (MTDPS4A). Also called: Mitochondrial DNA depletion syndrome 4A (Alpers type); ALPERS PROGRESSIVE INFANTILE POLIODYSTROPHY; NEURONAL DEGENERATION OF CHILDHOOD WITH LIVER DISEASE, PROGRESSIVE; Mitochondrial DNA Depletion Syndrome 4A; Alpers-Huttenlocher Syndrome (AHS); Alpers Syndrome. Identifiers: Orphanet 726, MedGen C0205710, MONDO:0008758, OMIM 203700.

Allele frequency attached by ClinVar (database versions not stated): gnomAD exomes below 0.00001.
gnomAD v4.1: 1 of 1,603,344 alleles (0.000062%); no homozygotes.

Submission:

Labcorp Genetics (formerly Invitae), Labcorp
Classification: Uncertain significance for Progressive sclerosing poliodystrophy. Last evaluated: 2024-11-05. Review status: criteria provided, single submitter. Criteria: Invitae Variant Classification Sherloc (09022015). Collection method: clinical testing. Allele origin: germline.
Comment: This sequence change replaces glycine, which is neutral and non-polar, with arginine, which is basic and polar, at codon 644 of the POLG protein (p.Gly644Arg). This variant is not present in population databases (gnomAD no frequency). This variant has not been reported in the literature in individuals affected with POLG-related conditions. ClinVar contains an entry for this variant (Variation ID: 1508201). Invitae Evidence Modeling of protein sequence and biophysical properties (such as structural, functional, and spatial information, amino acid conservation, physicochemical variation, residue mobility, and thermodynamic stability) indicates that this missense variant is not expected to disrupt POLG protein function with a negative predictive value of 95%. In summary, the available evidence is currently insufficient to determine the role of this variant in disease. Therefore, it has been classified as a Variant of Uncertain Significance.